The following is an entry in ClinVar:

NM_000204.5(CFI):c.839G>A (p.Gly280Asp)

Gene: CFI (complement factor I; minus strand). Cytogenetic location: 4q25.
Variant type: single nucleotide variant.
Coding change: c.839G>A on transcript NM_000204.5 (MANE Select); coding-DNA position 839, G replaced by A.
Protein change: p.Gly280Asp; replaces glycine 280 with aspartic acid.
Molecular consequence: missense variant. On other transcripts: non-coding transcript variant (3).
Genome position (GRCh38, 1-based): chr4:109,760,314, C>T on the plus strand (G>A on the coding strand, the complement: CFI is on the minus strand). VCF-style: chr4-109760314-C-T. GRCh37 (hg19) VCF-style: chr4-110681470-C-T.
Other names: c.839G>A, p.Gly280Asp (NM_001318057.2, NM_001331035.2, NM_001375278.1 and 10 more transcripts); c.230G>A, p.Gly77Asp (NM_001375284.1); short protein forms G280D, G77D.
Identifiers: ClinVar variation 4280484 (VCV004280484.1).

ClinVar aggregate classification (germline): Likely pathogenic, low penetrance (1 of 4 stars; one submission).

Conditions:
CFI-related disorder. Also called: CFI-related condition; CFI-related disorders. Identifiers: MedGen CN239325.

gnomAD v4.1: 2 of 1,614,164 alleles (0.00012%); highest among the groups gnomAD compares: Non-Finnish European, 0.00017%; no homozygotes.

Submission:

Genomenon, Inc
Classification: Likely pathogenic, low penetrance for CFI-related disorder. Last evaluated: 2025-09-26. Review status: criteria provided, single submitter. Criteria: Genomenon Sequence Variant Interpretation Standards - Updated. Collection method: curation. Allele origin: germline. Affected: no.
Comment: CFI p.Gly280Asp (c.839G>A) is a missense variant that changes the amino acid at residue 280 from Glycine to Aspartic acid. To our knowledge, this variant has not been reported in patients affected with CFI-related disorders in the published literature. At least one functional study has demonstrated a substantial alteration in protein function relative to the wild-type (PMID:32510551). The variant is located in a mutational hotspot. It is absent or not present at a significant frequency in gnomAD. In conclusion, we classify CFI p.Gly280Asp (c.839G>A) as a likely pathogenic, low penetrance variant.

Literature cited by the submitters: PubMed 32510551.